The following is an entry in ClinVar:

ClinVar aggregate classification (germline): Uncertain significance. Review status: criteria provided, multiple submitters, no conflicts (2 of 4 stars). 2 submissions from 2 submitters: Uncertain significance (2). Last evaluated 2026-03-02.

Conditions:
Hereditary cancer-predisposing syndrome. Also called: Tumor predisposition; Hereditary Cancer Syndrome; Neoplastic Syndromes, Hereditary; Hereditary neoplastic syndrome. Identifiers: Orphanet 140162, MedGen C0027672, MeSH D009386, MONDO:0015356.
Familial adenomatous polyposis 1 (FAP1). Also called: FAMILIAL ADENOMATOUS POLYPOSIS 1, ATTENUATED; POLYPOSIS, ADENOMATOUS INTESTINAL. Identifiers: MedGen C2713442, MONDO:0021056, OMIM 175100. Disease mechanism: loss of function.

Allele frequency attached by ClinVar (database versions not stated): gnomAD 0.00001; TOPMed 0.00001.
gnomAD v4.1: 1 of 1,614,098 alleles (0.000062%); highest among the groups gnomAD compares: African/African-American, 0.0013%; no homozygotes.

Submissions (2):

Ambry Genetics
Classification: Uncertain significance for Hereditary cancer-predisposing syndrome. Last evaluated: 2026-03-02. Review status: criteria provided, single submitter. Criteria: Ambry Variant Classification Scheme 2023. Collection method: clinical testing. Allele origin: germline.

Labcorp Genetics (formerly Invitae), Labcorp
Classification: Uncertain significance for Familial adenomatous polyposis 1. Last evaluated: 2021-07-25. Review status: criteria provided, single submitter. Criteria: Invitae Variant Classification Sherloc (09022015). Collection method: clinical testing. Allele origin: germline.
Comment: In summary, the available evidence is currently insufficient to determine the role of this variant in disease. Therefore, it has been classified as a Variant of Uncertain Significance. Algorithms developed to predict the effect of missense changes on protein structure and function (SIFT, PolyPhen-2, Align-GVGD) all suggest that this variant is likely to be tolerated, but these predictions have not been confirmed by published functional studies and their clinical significance is uncertain. This variant has not been reported in the literature in individuals with APC-related disease. This variant is not present in population databases (ExAC no frequency). This sequence change replaces valine with methionine at codon 915 of the APC protein (p.Val915Met). The valine residue is moderately conserved and there is a small physicochemical difference between valine and methionine.

NM_000038.6(APC):c.2743G>A (p.Val915Met)

Gene: APC (APC regulator of Wnt signaling pathway; plus strand). Cytogenetic location: 5q22.2.
Variant type: single nucleotide variant.
Coding change: c.2743G>A on transcript NM_000038.6 (MANE Select); coding-DNA position 2743, G replaced by A.
Protein change: p.Val915Met; replaces valine 915 with methionine.
Molecular consequence: missense variant.
Genome position (GRCh38, 1-based): chr5:112,838,337, G>A. VCF-style: chr5-112838337-G-A. GRCh37 (hg19) VCF-style: chr5-112174034-G-A.
Other names: c.2743G>A, p.Val915Met (NM_001127510.3, NM_001354895.2); c.2689G>A, p.Val897Met (NM_001127511.3); c.2797G>A, p.Val933Met (NM_001354896.2); c.2773G>A, p.Val925Met (NM_001354897.2); c.2668G>A, p.Val890Met (NM_001354898.2); c.2659G>A, p.Val887Met (NM_001354899.2); c.2620G>A, p.Val874Met (NM_001354900.2); c.2566G>A, p.Val856Met (NM_001354901.2); and 5 more; short protein forms V915M, V897M, V814M, V632M, V755M, V824M, V874M, V887M.
Identifiers: ClinVar variation 537484 (VCV000537484.10), dbSNP rs1446823177, ClinGen allele CA16027314.
Genomic context (GRCh38, chr5:112,838,337, plus strand): 5'-TCAGCCATTCATACCTCTCAGGAAGACAGAAGTTCTGGGTCTACCACTGAATTACATTGT[G>A]TGACAGATGAGAGAAATGCACTTAGAAGAAGCTCTGCTGCCCATACACATTCAAACACTT-3'
Protein context (NP_000029.2, residues 905-925): SSGSTTELHC[Val915Met]TDERNALRRS